The following is an entry in ClinVar:

NM_001128431.4(SLC39A14):c.21C>G (p.His7Gln)

Gene: SLC39A14 (solute carrier family 39 member 14; plus strand). Cytogenetic location: 8p21.3.
Variant type: single nucleotide variant.
Coding change: c.21C>G on transcript NM_001128431.4 (MANE Select); coding-DNA position 21, C replaced by G.
Protein change: p.His7Gln; replaces histidine 7 with glutamine.
Molecular consequence: missense variant.
Genome position (GRCh38, 1-based): chr8:22,404,731, C>G. VCF-style: chr8-22404731-C-G. GRCh37 (hg19) VCF-style: chr8-22262244-C-G.
Other names: c.21C>G, p.His7Gln (NM_001135153.3, NM_001135154.3, NM_001351655.2 and 3 more transcripts); c.51C>G, p.His17Gln (NM_001351657.2, NM_001351658.2, NM_001351659.2); short protein forms H17Q, H7Q.
Identifiers: ClinVar variation 2682584 (VCV002682584.1), dbSNP rs770249414, ClinGen allele CA4667204.

ClinVar aggregate classification (germline): Uncertain significance (1 of 4 stars; one submission).

Allele frequency attached by ClinVar (database versions not stated): ExAC 0.00001; gnomAD 0.00001.
gnomAD v4.1: 10 of 1,613,534 alleles (0.00062%); highest among the groups gnomAD compares: African/African-American, 0.0027%; no homozygotes.

Submission:

Women's Health and Genetics/Laboratory Corporation of America, LabCorp
Classification: Uncertain significance. Last evaluated: 2023-11-16. Review status: criteria provided, single submitter. Criteria: LabCorp Variant Classification Summary - May 2015. Collection method: clinical testing. Allele origin: germline.
Comment: Variant summary: SLC39A14 c.21C>G (p.His7Gln) results in a non-conservative amino acid change in the encoded protein sequence. Four of five in-silico tools predict a benign effect of the variant on protein function. The variant allele was found at a frequency of 1.6e-05 in 250198 control chromosomes. The available data on variant occurrences in the general population are insufficient to allow any conclusion about variant significance. To our knowledge, no occurrence of c.21C>G in individuals affected with Hypermanganesemia With Dystonia 2 and no experimental evidence demonstrating its impact on protein function have been reported. No submitters have cited clinical-significance assessments for this variant to ClinVar after 2014. Based on the evidence outlined above, the variant was classified as uncertain significance.